The following is an entry in ClinVar:

ClinVar aggregate classification (germline): Uncertain significance (1 of 4 stars; one submission).

Submission:

Ambry Genetics
Classification: Uncertain significance. Last evaluated: 2024-10-15. Review status: criteria provided, single submitter. Criteria: Ambry Variant Classification Scheme 2023. Collection method: clinical testing. Allele origin: germline.
Comment: The p.S3365C variant (also known as c.10094C>G), located in coding exon 71 of the PRKDC gene, results from a C to G substitution at nucleotide position 10094. The serine at codon 3365 is replaced by cysteine, an amino acid with dissimilar properties. This amino acid position is conserved. Based on the available evidence, the clinical significance of this variant remains unclear.

NM_006904.7(PRKDC):c.10094C>G (p.Ser3365Cys)

Gene: PRKDC (protein kinase, DNA-activated, catalytic subunit; minus strand). Cytogenetic location: 8q11.21.
Variant type: single nucleotide variant.
Coding change: c.10094C>G on transcript NM_006904.7 (MANE Select); coding-DNA position 10094, C replaced by G.
Protein change: p.Ser3365Cys; replaces serine 3365 with cysteine.
Molecular consequence: missense variant.
Genome position (GRCh38, 1-based): chr8:47,800,815, G>C on the plus strand (C>G on the coding strand, the complement: PRKDC is on the minus strand). VCF-style: chr8-47800815-G-C. GRCh37 (hg19) VCF-style: chr8-48713376-G-C.
Other names: c.10094C>G, p.Ser3365Cys (NM_001081640.2); short protein forms S3365C.
Identifiers: ClinVar variation 3425225 (VCV003425225.1).